The following is an entry in ClinVar:

ClinVar aggregate classification (germline): Conflicting classifications of pathogenicity. Review status: criteria provided, conflicting classifications (1 of 4 stars). 3 submissions from 3 submitters: Uncertain significance (1); Likely benign (2). Last evaluated 2024-03-01.

Conditions:
CHEK2-related cancer predisposition (TPDS4). Also called: TUMOR PREDISPOSITION SYNDROME 4; CANCER PREDISPOSITION SYNDROME, CHEK2-RELATED; CHEK2-related cancer susceptibility. Identifiers: Orphanet 524, MedGen C5882668, MONDO:0700271, OMIM 609265.
Familial cancer of breast. Also called: BREAST CANCER, FAMILIAL; Hereditary breast cancer; hereditary breast carcinoma. Identifiers: Orphanet 227535, MedGen C0346153, MONDO:0016419, OMIM 114480. Disease mechanism: loss of function.

Submissions (3):

Labcorp Genetics (formerly Invitae), Labcorp
Classification: Likely benign for Familial cancer of breast. Last evaluated: 2024-03-01. Review status: criteria provided, single submitter. Criteria: Invitae Variant Classification Sherloc (09022015). Collection method: clinical testing. Allele origin: germline.

Illumina Laboratory Services, Illumina
Classification: Uncertain significance for CHEK2-Related Cancer Susceptibility. Last evaluated: 2018-01-13. Review status: criteria provided, single submitter. Criteria: ICSL Variant Classification Criteria 13 December 2019. Collection method: clinical testing. Allele origin: germline.

GeneDx
Classification: Likely benign. Last evaluated: 2017-09-07. Review status: criteria provided, single submitter. Criteria: GeneDx Variant Classification (06012015). Collection method: clinical testing. Allele origin: germline. Affected: yes.
Comment: This variant is considered likely benign or benign based on one or more of the following criteria: it is a conservative change, it occurs at a poorly conserved position in the protein, it is predicted to be benign by multiple in silico algorithms, and/or has population frequency not consistent with disease.

NM_007194.4(CHEK2):c.1461+12A>G

Gene: CHEK2 (checkpoint kinase 2; minus strand). Cytogenetic location: 22q12.1.
Variant type: single nucleotide variant.
Coding change: c.1461+12A>G on transcript NM_007194.4 (MANE Select); 12 bases into the intron after coding-DNA position 1461, A replaced by G.
Molecular consequence: intron variant.
Genome position (GRCh38, 1-based): chr22:28,694,020, T>C on the plus strand (A>G on the coding strand, the complement: CHEK2 is on the minus strand). VCF-style: chr22-28694020-T-C. GRCh37 (hg19) VCF-style: chr22-29090008-T-C.
Other names: c.798+12A>G (NM_001437942.1, NM_001257387.3); c.1260+12A>G (NM_001349956.3); c.1374+12A>G (NM_145862.3); c.1467+12A>G (NM_001438295.1); c.1554+12A>G (NM_001438293.1); c.1503+12A>G (NM_001438294.1); c.1590+12A>G (NM_001005735.3).
Identifiers: ClinVar variation 341055 (VCV000341055.13), dbSNP rs886057328, ClinGen allele CA10645226.